The following is an entry in ClinVar:

ClinVar aggregate classification (germline): Uncertain significance (1 of 4 stars; one submission).

Submission:

GeneDx
Classification: Uncertain significance. Last evaluated: 2017-03-21. Review status: criteria provided, single submitter. Criteria: GeneDx Variant Classification (06012015). Collection method: clinical testing. Allele origin: germline. Affected: yes.
Comment: The L291H variant in the KCNA1 gene has not been reported previously as a pathogenic variant, nor as a benign variant, to our knowledge. The L291H variant is not observed in large population cohorts (Lek et al., 2016; 1000 Genomes Consortium et al., 2015; Exome Variant Server). The L291H variant is a non-conservative amino acid substitution, which is likely to impact secondary protein structure as these residues differ in polarity, charge, size and/or other properties. This substitution occurs at a position that is conserved across species. In silico analysis predicts this variant is probably damaging to the protein structure/function. We interpret L291H as a variant of uncertain significance.

NM_000217.3(KCNA1):c.872T>A (p.Leu291His)

Gene: KCNA1 (potassium voltage-gated channel subfamily A member 1; plus strand). Cytogenetic location: 12p13.32.
Variant type: single nucleotide variant.
Coding change: c.872T>A on transcript NM_000217.3 (MANE Select); coding-DNA position 872, T replaced by A.
Protein change: p.Leu291His; replaces leucine 291 with histidine.
Molecular consequence: missense variant.
Genome position (GRCh38, 1-based): chr12:4,912,250, T>A. VCF-style: chr12-4912250-T-A. GRCh37 (hg19) VCF-style: chr12-5021416-T-A.
Other names: short protein forms L291H.
Identifiers: ClinVar variation 424183 (VCV000424183.2), dbSNP rs1064796844, ClinGen allele CA16619546.